The following is an entry in ClinVar:

NM_001348768.2(HECW2):c.785A>C (p.Glu262Ala)

Gene: HECW2 (HECT, C2 and WW domain containing E3 ubiquitin protein ligase 2; minus strand). Cytogenetic location: 2q32.3.
Variant type: single nucleotide variant.
Coding change: c.785A>C on transcript NM_001348768.2 (MANE Select); coding-DNA position 785, A replaced by C.
Protein change: p.Glu262Ala; replaces glutamic acid 262 with alanine.
Molecular consequence: missense variant. On other transcripts: 5 prime UTR variant (1).
Genome position (GRCh38, 1-based): chr2:196,322,577, T>G on the plus strand (A>C on the coding strand, the complement: HECW2 is on the minus strand). VCF-style: chr2-196322577-T-G. GRCh37 (hg19) VCF-style: chr2-197187301-T-G.
Other names: c.-183A>C (NM_001304840.3); c.785A>C, p.Glu262Ala (NM_020760.4); short protein forms E262A.
Identifiers: ClinVar variation 4881867 (VCV004881867.2).

ClinVar aggregate classification (germline): Uncertain significance (1 of 4 stars; one submission).

gnomAD v4.1: 1 of 1,613,728 alleles (0.000062%); highest among the groups gnomAD compares: African/African-American, 0.0013%; no homozygotes.

Submission:

Dasa
Classification: Uncertain significance. Last evaluated: 2024-10-19. Review status: criteria provided, single submitter. Criteria: DASA Assertion Criteria. Collection method: clinical testing. Allele origin: germline.
Comment: NM_001348768.2(HECW2):c.785A>C (p.Glu262Ala) is a missense variant that results in the substitution of glutamic acid with alanine. This variant is absent from population databases. Computational prediction algorithms are consistent with a deleterious effect. The currently available literature and clinical evidence are not sufficient to establish a definitive association between this variant and the reported condition. Therefore, this variant is classified as a variant of uncertain significance.